The following is an entry in ClinVar:

NM_005751.5(AKAP9):c.8150A>G (p.Glu2717Gly)

Gene: AKAP9 (A-kinase anchoring protein 9; plus strand). Cytogenetic location: 7q21.2.
Variant type: single nucleotide variant.
Coding change: c.8150A>G on transcript NM_005751.5 (MANE Select); coding-DNA position 8150, A replaced by G.
Protein change: p.Glu2717Gly; replaces glutamic acid 2717 with glycine.
Molecular consequence: missense variant.
Genome position (GRCh38, 1-based): chr7:92,082,652, A>G. VCF-style: chr7-92082652-A-G. GRCh37 (hg19) VCF-style: chr7-91711966-A-G.
Other names: c.2795A>G, p.Glu932Gly (NM_001379277.1); c.8126A>G, p.Glu2709Gly (NM_147185.3); short protein forms E2717G, E932G, E2709G.
Identifiers: ClinVar variation 2196104 (VCV002196104.6), dbSNP rs751090118, ClinGen allele CA4337422.

ClinVar aggregate classification (germline): Conflicting classifications of pathogenicity. Review status: criteria provided, conflicting classifications (1 of 4 stars). 2 submissions from 2 submitters: Uncertain significance (1); Likely benign (1). Last evaluated 2025-04-11.

Conditions:
Long QT syndrome (LQTS). Identifiers: MedGen C0023976, MeSH D008133, MONDO:0002442. Disease mechanism: loss of function. Inheritance: Various modes of inheritance.
Cardiovascular phenotype. Identifiers: MedGen CN230736.

Allele frequency attached by ClinVar (database versions not stated): ExAC 0.00001; gnomAD 0.00001; gnomAD exomes 0.00001; TOPMed 0.00003.
gnomAD v4.1: 11 of 1,613,838 alleles (0.00068%); highest among the groups gnomAD compares: Admixed American, 0.017%; no homozygotes.

Submissions (2):

Labcorp Genetics (formerly Invitae), Labcorp
Classification: Uncertain significance for Long QT syndrome. Last evaluated: 2025-04-11. Review status: criteria provided, single submitter. Criteria: Invitae Variant Classification Sherloc (09022015). Collection method: clinical testing. Allele origin: germline.
Comment: This sequence change replaces glutamic acid, which is acidic and polar, with glycine, which is neutral and non-polar, at codon 2717 of the AKAP9 protein (p.Glu2717Gly). This variant is present in population databases (rs751090118, gnomAD 0.009%). This variant has not been reported in the literature in individuals affected with AKAP9-related conditions. ClinVar contains an entry for this variant (Variation ID: 2196104). An algorithm developed to predict the effect of missense changes on protein structure and function outputs the following: PolyPhen-2: "Benign". The glycine amino acid residue is found in multiple mammalian species, which suggests that this missense change does not adversely affect protein function. In summary, the available evidence is currently insufficient to determine the role of this variant in disease. Therefore, it has been classified as a Variant of Uncertain Significance.

Ambry Genetics
Classification: Likely benign for Cardiovascular phenotype. Last evaluated: 2023-08-22. Review status: criteria provided, single submitter. Criteria: Ambry Variant Classification Scheme 2023. Collection method: clinical testing. Allele origin: germline.